The following is an entry in ClinVar:

NM_019066.5(MAGEL2):c.199G>A (p.Ala67Thr)

Gene: MAGEL2 (MAGE family member L2; minus strand). Cytogenetic location: 15q11.2.
Variant type: single nucleotide variant.
Coding change: c.199G>A on transcript NM_019066.5 (MANE Select); coding-DNA position 199, G replaced by A.
Protein change: p.Ala67Thr; replaces alanine 67 with threonine.
Molecular consequence: missense variant.
Genome position (GRCh38, 1-based): chr15:23,647,544, C>T on the plus strand (G>A on the coding strand, the complement: MAGEL2 is on the minus strand). VCF-style: chr15-23647544-C-T. GRCh37 (hg19) VCF-style: chr15-23892691-C-T.
Other names: short protein forms A67T.
Identifiers: ClinVar variation 5003055 (VCV005003055.1).

ClinVar aggregate classification (germline): Uncertain significance (1 of 4 stars; one submission).

Conditions:
Schaaf-Yang syndrome (SHFYNG). Also called: MAGEL2-related Prader-Willi-like syndrome; Arthrogryposis, distal, with hypopituitarism, intellectual disability, and facial anomalies. Identifiers: Orphanet 398069, MedGen C5575066, MONDO:0014243, OMIM 615547.

Submission:

OLLIN Analises Genomicas, OLLIN
Classification: Uncertain significance for Schaaf-Yang syndrome. Last evaluated: 2026-08-06. Review status: criteria provided, single submitter. Criteria: ACMG Guidelines 2015 PMID 25741868. Collection method: clinical testing. Allele origin: germline. Inheritance: Autosomal dominant inheritance.
Comment: This missense variant, located in exon 1 (of 1), is absent from gnomAD and ClinVar and has not been identified in the literature. In silico analysis is inconclusive regarding the impact of this variant. This gene has high tolerance to missense variation. According to the currently available evidence, this variant has been classified as uncertain significance (PM2_P, BP1).